The following is an entry in ClinVar:

ClinVar aggregate classification (germline): Uncertain significance (1 of 4 stars; one submission).

Allele frequency attached by ClinVar (database versions not stated): gnomAD exomes below 0.00001; TOPMed below 0.00001; gnomAD 0.00001.
gnomAD v4.1: 3 of 1,608,082 alleles (0.00019%); highest among the groups gnomAD compares: Non-Finnish European, 0.00025%; no homozygotes.

Submission:

Labcorp Genetics (formerly Invitae), Labcorp
Classification: Uncertain significance. Last evaluated: 2021-08-25. Review status: criteria provided, single submitter. Criteria: Invitae Variant Classification Sherloc (09022015). Collection method: clinical testing. Allele origin: germline.
Comment: In summary, the available evidence is currently insufficient to determine the role of this variant in disease. Therefore, it has been classified as a Variant of Uncertain Significance. Algorithms developed to predict the effect of missense changes on protein structure and function output the following: SIFT: "Deleterious"; PolyPhen-2: "Not Available"; Align-GVGD: "Class C0". The glutamine amino acid residue is found in multiple mammalian species, which suggests that this missense change does not adversely affect protein function. This variant has not been reported in the literature in individuals affected with KDM6B-related conditions. This variant is not present in population databases (ExAC no frequency). This sequence change replaces proline with glutamine at codon 793 of the KDM6B protein (p.Pro793Gln). The proline residue is moderately conserved and there is a moderate physicochemical difference between proline and glutamine.

NM_001348716.2(KDM6B):c.2378C>A (p.Pro793Gln)

Gene: KDM6B (lysine demethylase 6B; plus strand). Cytogenetic location: 17p13.1.
Variant type: single nucleotide variant.
Coding change: c.2378C>A on transcript NM_001348716.2 (MANE Select); coding-DNA position 2378, C replaced by A.
Protein change: p.Pro793Gln; replaces proline 793 with glutamine.
Molecular consequence: missense variant.
Genome position (GRCh38, 1-based): chr17:7,848,666, C>A. VCF-style: chr17-7848666-C-A. GRCh37 (hg19) VCF-style: chr17-7751984-C-A.
Other names: c.2378C>A, p.Pro793Gln (NM_001080424.2); short protein forms P793Q.
Identifiers: ClinVar variation 1433453 (VCV001433453.8), dbSNP rs2078620295, ClinGen allele CA397919873.
Genomic context (GRCh38, chr17:7,848,666, plus strand): 5'-CAGCCCTACCACCACCACCGCCTCTAGCCAAGTTCCCTCCACCCTCTCAGCCACAGCCAC[C>A]ACCACCCCCACCCCCCAGCCCGGCCAGCCTGCTCAAATCCTTGGCCTCCGTGCTGGAGGG-3'
Protein context (NP_001335645.1, residues 783-803): KFPPPSQPQP[Pro793Gln]PPPPPSPASL